The following is an entry in ClinVar:

ClinVar aggregate classification (germline): Benign/Likely benign. Review status: criteria provided, multiple submitters, no conflicts (2 of 4 stars). 4 submissions from 4 submitters: Benign (1); Likely benign (2). 1 of the submissions does not count toward it. Last evaluated 2024-10-17.

Conditions:
Familial cancer of breast. Also called: Hereditary breast cancer; hereditary breast carcinoma; BREAST CANCER, FAMILIAL. Identifiers: Orphanet 227535, MedGen C0346153, MONDO:0016419, OMIM 114480. Disease mechanism: loss of function.
Malignant tumor of breast. Also called: Malignant breast neoplasm; Cancer breast. Identifiers: MedGen C0006142, MONDO:0007254. Disease mechanism: loss of function.
Hereditary cancer-predisposing syndrome. Also called: Neoplastic Syndromes, Hereditary; Hereditary neoplastic syndrome; Tumor predisposition; Hereditary Cancer Syndrome. Identifiers: Orphanet 140162, MedGen C0027672, MeSH D009386, MONDO:0015356.
Ataxia-telangiectasia syndrome (AT). Also called: Ataxia-telangiectasia, complementation group D; AT, COMPLEMENTATION GROUP C; LOUIS-BAR SYNDROME; Ataxia telangiectasia (A-T); Cerebello-oculocutaneous telangiectasia; Immunodeficiency with ataxia telangiectasia. Identifiers: Orphanet 100, MedGen C0004135, MONDO:0008840, OMIM 208900.

Submissions (4):

Labcorp Genetics (formerly Invitae), Labcorp
Classification: Likely benign for Ataxia-telangiectasia syndrome. Last evaluated: 2024-10-17. Review status: criteria provided, single submitter. Criteria: Invitae Variant Classification Sherloc (09022015). Collection method: clinical testing. Allele origin: germline.

Myriad Genetics, Inc.
Classification: Benign for Familial cancer of breast. Last evaluated: 2024-04-17. Review status: criteria provided, single submitter. Criteria: Myriad Autosomal Dominant, Autosomal Recessive and X-Linked Classification Criteria (2023). Collection method: clinical testing. Allele origin: unknown.
Comment: This variant is considered benign. This variant is a silent/synonymous amino acid change and it is not expected to impact splicing.

Ambry Genetics
Classification: Likely benign for Hereditary cancer-predisposing syndrome. Last evaluated: 2022-11-20. Review status: criteria provided, single submitter. Criteria: Ambry Variant Classification Scheme 2023. Collection method: clinical testing. Allele origin: germline.

Department of Pathology and Laboratory Medicine, Sinai Health System
Classification: Likely benign for Malignant tumor of breast. Review status: no assertion criteria provided. Collection method: clinical testing. Allele origin: unknown. Affected: yes. Study: The Canadian Open Genetics Repository (COGR). Not counted in ClinVar's aggregate classification.
Comment: The ATM p.Lys29= variant was not identified in the literature nor was it identified in the following databases: dbSNP, ClinVar, LOVD 3.0, the Exome Aggregation Consortium (August 8th 2016) or the Genome Aggregation Database (Feb 27, 2017). The p.Lys29= variant is not expected to have clinical significance because it does not result in a change of amino acid and is not located in a known consensus splice site. The variant occurs at a non-highly conserved nucleotide outside of the splicing consensus sequence and in silico or computational prediction software programs (SpliceSiteFinder, MaxEntScan, NNSPLICE, GeneSplicer) do not predict a difference in splicing. In summary, based on the above information, the clinical significance of this variant cannot be determined with certainty at this time although we would lean towards a more benign role for this variant. This variant is classified as likely benign.

NM_000051.4(ATM):c.87A>G (p.Lys29=)

Gene: ATM (ATM serine/threonine kinase; plus strand). Cytogenetic location: 11q22.3.
Variant type: single nucleotide variant.
Coding change: c.87A>G on transcript NM_000051.4 (MANE Select); coding-DNA position 87, A replaced by G.
Protein change: p.Lys29=; no amino-acid change (lysine 29 retained).
Molecular consequence: synonymous variant.
Genome position (GRCh38, 1-based): chr11:108,227,790, A>G. VCF-style: chr11-108227790-A-G. GRCh37 (hg19) VCF-style: chr11-108098517-A-G.
Other names: c.87A>G, p.Lys29= (NM_001351834.2, NM_001351835.2, NM_001351836.2).
Identifiers: ClinVar variation 793172 (VCV000793172.14), dbSNP rs1591446799, ClinGen allele CA476667994.